The following is an entry in ClinVar:

NM_005263.5(GFI1):c.490C>T (p.Pro164Ser)

Gene: GFI1 (growth factor independent 1 transcriptional repressor; minus strand). Cytogenetic location: 1p22.1.
Variant type: single nucleotide variant.
Coding change: c.490C>T on transcript NM_005263.5 (MANE Select); coding-DNA position 490, C replaced by T.
Protein change: p.Pro164Ser; replaces proline 164 with serine.
Molecular consequence: missense variant.
Genome position (GRCh38, 1-based): chr1:92,480,897, G>A on the plus strand (C>T on the coding strand, the complement: GFI1 is on the minus strand). VCF-style: chr1-92480897-G-A. GRCh37 (hg19) VCF-style: chr1-92946454-G-A.
Other names: c.490C>T, p.Pro164Ser (NM_001127215.3, NM_001127216.3); short protein forms P164S.
Identifiers: ClinVar variation 4263236 (VCV004263236.1).

ClinVar aggregate classification (germline): Uncertain significance (1 of 4 stars; one submission).

Submission:

Ambry Genetics
Classification: Uncertain significance. Last evaluated: 2025-08-09. Review status: criteria provided, single submitter. Criteria: Ambry Variant Classification Scheme 2023. Collection method: clinical testing. Allele origin: germline.
Comment: The p.P164S variant (also known as c.490C>T), located in coding exon 3 of the GFI1 gene, results from a C to T substitution at nucleotide position 490. The proline at codon 164 is replaced by serine, an amino acid with similar properties. This amino acid position is conserved. In addition, this alteration is predicted to be tolerated by in silico analysis. Based on the available evidence, the clinical significance of this variant remains unclear.